The following is an entry in ClinVar:

ClinVar aggregate classification (germline): Uncertain significance. Review status: criteria provided, multiple submitters, no conflicts (2 of 4 stars). 2 submissions from 2 submitters: Uncertain significance (2). Last evaluated 2025-11-03.

Conditions:
Neuropathy, hereditary sensory and autonomic, type 2A (HSAN2A). Also called: WNK1-Related HSAN2 (HSAN2A); ACROOSTEOLYSIS, GIACCAI TYPE; ACROOSTEOLYSIS, NEUROGENIC; HSAN IIA; MORVAN DISEASE; NEUROPATHY, CONGENITAL SENSORY. Identifiers: Orphanet 970, MedGen C2752089, MONDO:0024309, OMIM 201300.
Pseudohypoaldosteronism type 2C (PHA2C). Also called: Pseudohypoaldosteronism Type IIC. Identifiers: Orphanet 757, Orphanet 88940, MedGen C1840391, MONDO:0013778, OMIM 614492.

Allele frequency attached by ClinVar (database versions not stated): ExAC 0.00001; gnomAD 0.00001; gnomAD exomes 0.00001 and 0.00007; TOPMed 0.00003.
gnomAD v4.1: 96 of 1,613,154 alleles (0.006%); highest among the groups gnomAD compares: Non-Finnish European, 0.0079%; no homozygotes.

Submissions (2):

Labcorp Genetics (formerly Invitae), Labcorp
Classification: Uncertain significance for Neuropathy, hereditary sensory and autonomic, type 2A; Pseudohypoaldosteronism type 2C. Last evaluated: 2025-11-03. Review status: criteria provided, single submitter. Criteria: Invitae Variant Classification Sherloc (09022015). Collection method: clinical testing. Allele origin: germline.
Comment: This sequence change falls in intron 6 of the WNK1 gene. It does not directly change the encoded amino acid sequence of the WNK1 protein. It affects a nucleotide within the consensus splice site. This variant is present in population databases (rs746698174, gnomAD 0.003%). This variant has not been reported in the literature in individuals affected with WNK1-related conditions. ClinVar contains an entry for this variant (Variation ID: 641282). Variants that disrupt the consensus splice site are a relatively common cause of aberrant splicing (PMID: 17576681, 9536098). Algorithms developed to predict the effect of sequence changes on RNA splicing suggest that this variant is not likely to affect RNA splicing. In summary, the available evidence is currently insufficient to determine the role of this variant in disease. Therefore, it has been classified as a Variant of Uncertain Significance.

Fulgent Genetics
Classification: Uncertain significance for Neuropathy, hereditary sensory and autonomic, type 2A; Pseudohypoaldosteronism type 2C. Last evaluated: 2022-02-16. Review status: criteria provided, single submitter. Criteria: ACMG Guidelines, 2015. Collection method: clinical testing. Allele origin: unknown.

Literature cited by the submitters: PubMed 17576681 (cited by Labcorp Genetics (formerly Invitae), Labcorp); PubMed 9536098 (cited by Labcorp Genetics (formerly Invitae), Labcorp).

NM_018979.4(WNK1):c.1621-3T>C

Gene: WNK1 (WNK lysine deficient protein kinase 1; plus strand). Cytogenetic location: 12p13.33.
Variant type: single nucleotide variant.
Coding change: c.1621-3T>C on transcript NM_018979.4 (MANE Select); 3 bases into the intron before coding-DNA position 1621, T replaced by C.
Molecular consequence: intron variant.
Genome position (GRCh38, 1-based): chr12:861,010, T>C. VCF-style: chr12-861010-T-C. GRCh37 (hg19) VCF-style: chr12-970176-T-C.
Other names: c.1621-3T>C (NM_213655.5, NM_001184985.2, NM_014823.3).
Identifiers: ClinVar variation 641282 (VCV000641282.9), dbSNP rs746698174, ClinGen allele CA6382004.